The following is an entry in ClinVar:

NM_001754.5(RUNX1):c.667G>A (p.Glu223Lys)

Gene: RUNX1 (RUNX family transcription factor 1; minus strand). Cytogenetic location: 21q22.12.
Variant type: single nucleotide variant.
Coding change: c.667G>A on transcript NM_001754.5 (MANE Select); coding-DNA position 667, G replaced by A.
Protein change: p.Glu223Lys; replaces glutamic acid 223 with lysine.
Molecular consequence: missense variant.
Genome position (GRCh38, 1-based): chr21:34,834,548, C>T on the plus strand (G>A on the coding strand, the complement: RUNX1 is on the minus strand). VCF-style: chr21-34834548-C-T. GRCh37 (hg19) VCF-style: chr21-36206845-C-T.
Other names: NM_001754.5(RUNX1):c.667G>A; p.Glu223Lys; c.586G>A, p.Glu196Lys (NM_001001890.3, NM_001122607.2); short protein forms E223K, E196K.
Identifiers: ClinVar variation 239053 (VCV000239053.22), dbSNP rs878854468, ClinGen allele CA10583884.

ClinVar aggregate classification (germline): Uncertain significance. Review status: reviewed by expert panel (3 of 4 stars). 6 submissions from 6 submitters: Uncertain significance (1). 5 of the submissions do not count toward it. Last evaluated 2024-08-16.

Conditions:
Hereditary thrombocytopenia and hematologic cancer predisposition syndrome. Identifiers: Orphanet 71290, MedGen CN281654, MONDO:0011071.
Inborn genetic diseases. Identifiers: MedGen C0950123, MeSH D030342.
Hereditary thrombocytopenia and hematological cancer predisposition syndrome associated with RUNX1. Also called: Familial Platelet Disorder with Propensity to Acute Myelogenous Leukemia; Familial thrombocytopenia with propensity to acute myelogenous leukemia; PLATELET DISORDER, ASPIRIN-LIKE; RUNX1 Familial Platelet Disorder with Associated Myeloid Malignancies. Identifiers: Orphanet 71290, MedGen C1832388, MeSH C563324, MONDO:0100083, OMIM 601399.

Allele frequency attached by ClinVar (database versions not stated): gnomAD exomes below 0.00001 and 0.00003; gnomAD 0.00002; TOPMed 0.00003.
gnomAD v4.1: 38 of 1,602,596 alleles (0.0024%); highest among the groups gnomAD compares: Non-Finnish European, 0.0029%; no homozygotes.

Submissions (6):

ClinGen Myeloid Malignancy Variant Curation Expert Panel
Classification: Uncertain significance for Hereditary thrombocytopenia and hematologic cancer predisposition syndrome. Last evaluated: 2024-08-16. Review status: reviewed by expert panel. Criteria: ClinGen MyeloMalig ACMG Specifications v2. Collection method: curation. Allele origin: germline. Inheritance: Autosomal dominant inheritance.
Comment: NM_001754.5(RUNX1):c.667G>A (p.Glu223Lys) is a missense variant which does not meet any ACMG/AMP criteria. In summary, the clinical significance of this variant is uncertain. ACMG/AMP criteria applied, as specified by the Myeloid Malignancy Variant Curation Expert Panel for RUNX1: None.

Ambry Genetics
Classification: Uncertain significance for Inborn genetic diseases. Last evaluated: 2025-10-28. Review status: criteria provided, single submitter. Criteria: Ambry Variant Classification Scheme 2023. Collection method: clinical testing. Allele origin: germline. Not counted in ClinVar's aggregate classification.

Labcorp Genetics (formerly Invitae), Labcorp
Classification: Uncertain significance for Hereditary thrombocytopenia and hematological cancer predisposition syndrome associated with RUNX1. Last evaluated: 2025-01-26. Review status: criteria provided, single submitter. Criteria: Invitae Variant Classification Sherloc (09022015). Collection method: clinical testing. Allele origin: germline. Not counted in ClinVar's aggregate classification.
Comment: This sequence change replaces glutamic acid, which is acidic and polar, with lysine, which is basic and polar, at codon 223 of the RUNX1 protein (p.Glu223Lys). This variant is present in population databases (no rsID available, gnomAD 0.0009%). This variant has not been reported in the literature in individuals affected with RUNX1-related conditions. ClinVar contains an entry for this variant (Variation ID: 239053). Invitae Evidence Modeling of protein sequence and biophysical properties (such as structural, functional, and spatial information, amino acid conservation, physicochemical variation, residue mobility, and thermodynamic stability) has been performed for this missense variant. However, the output from this modeling did not meet the statistical confidence thresholds required to predict the impact of this variant on RUNX1 protein function. In summary, the available evidence is currently insufficient to determine the role of this variant in disease. Therefore, it has been classified as a Variant of Uncertain Significance.

GeneDx
Classification: Uncertain significance. Last evaluated: 2024-12-04. Review status: criteria provided, single submitter. Criteria: GeneDx Variant Classification Process June 2021. Collection method: clinical testing. Allele origin: germline. Affected: yes. Not counted in ClinVar's aggregate classification.
Comment: Not observed at significant frequency in large population cohorts (gnomAD); In silico analysis indicates that this missense variant does not alter protein structure/function; Has not been previously published as pathogenic or benign to our knowledge; This variant is associated with the following publications: (PMID: 27784745)

St. Jude Molecular Pathology, St. Jude Children's Research Hospital
Classification: Uncertain significance for Hereditary thrombocytopenia and hematological cancer predisposition syndrome associated with RUNX1. Last evaluated: 2023-07-25. Review status: criteria provided, single submitter. Criteria: St. Jude Assertion Criteria 2020. Collection method: clinical testing. Allele origin: germline. Not counted in ClinVar's aggregate classification.
Comment: The RUNX1 c.667G>A (p.Glu223Lys) missense change has a maximum subpopulation frequency of 0.0008% in gnomAD v2.1.1. The in silico tool REVEL predicts a deleterious effect on protein function, but to our knowledge this prediction has not been confirmed by functional studies. To our knowledge, this variant has not been reported in individuals with familial platelet disorder with associated myeloid malignancy. In summary, the evidence currently available is insufficient to determine the clinical significance of this variant. It has therefore been classified as of uncertain significance.

Illumina Laboratory Services, Illumina
Classification: Uncertain significance for Hereditary thrombocytopenia and hematological cancer predisposition syndrome associated with RUNX1. Last evaluated: 2018-01-15. Review status: criteria provided, single submitter. Criteria: ICSL Variant Classification Criteria 13 December 2019. Collection method: clinical testing. Allele origin: germline. Not counted in ClinVar's aggregate classification.